The following is an entry in ClinVar:

NM_007294.4(BRCA1):c.2232T>G (p.Ala744=)

Gene: BRCA1 (BRCA1 DNA repair associated; minus strand). Cytogenetic location: 17q21.31.
Variant type: single nucleotide variant.
Coding change: c.2232T>G on transcript NM_007294.4 (MANE Select); coding-DNA position 2232, T replaced by G.
Protein change: p.Ala744=; no amino-acid change (alanine 744 retained).
Molecular consequence: synonymous variant. On other transcripts: intron variant (137).
Genome position (GRCh38, 1-based): chr17:43,093,299, A>C on the plus strand (T>G on the coding strand, the complement: BRCA1 is on the minus strand). VCF-style: chr17-43093299-A-C. GRCh37 (hg19) VCF-style: chr17-41245316-A-C.
Other names: c.2088T>G, p.Ala696= (NM_001407748.1, NM_001407749.1, NM_001407838.1 and 20 more transcripts); c.2091T>G, p.Ala697= (NM_001407750.1, NM_001407751.1, NM_001407752.1 and 29 more transcripts); c.2019T>G, p.Ala673= (NM_001407853.1, NM_001407894.1, NM_001407895.1 and 9 more transcripts); c.2232T>G, p.Ala744= (NM_001407854.1, NM_001407858.1, NM_001407859.1 and 30 more transcripts); c.2229T>G, p.Ala743= (NM_001407860.1, NM_001407861.1, NM_001407587.1 and 22 more transcripts); c.2031T>G, p.Ala677= (NM_001407862.1); c.2109T>G, p.Ala703= (NM_001407863.1, NM_001407919.1, NM_001407937.1 and 19 more transcripts); c.2028T>G, p.Ala676= (NM_001407874.1, NM_001407875.1); and 41 more.
Identifiers: ClinVar variation 183843 (VCV000183843.42), dbSNP rs4986846, ClinGen allele CA001496.

ClinVar aggregate classification (germline): Likely benign. Review status: reviewed by expert panel (3 of 4 stars). 11 submissions from 11 submitters: Likely benign (1). 10 of the submissions do not count toward it. Last evaluated 2017-06-29.

Conditions:
Hereditary breast ovarian cancer syndrome. Also called: Hereditary breast and ovarian cancer syndrome; Hereditary breast and ovarian cancer syndrome (HBOC); BRCA1- and BRCA2-Associated Hereditary Breast and Ovarian Cancer; Breast and ovarian cancer; Hereditary breast and ovarian cancer; Hereditary breast and/or ovarian cancer syndrome. Identifiers: Orphanet 145, MedGen C0677776, MeSH D061325, MONDO:0003582. Disease mechanism: loss of function.
Hereditary cancer-predisposing syndrome. Also called: Hereditary Cancer Syndrome; Hereditary neoplastic syndrome; Tumor predisposition; Neoplastic Syndromes, Hereditary. Identifiers: Orphanet 140162, MedGen C0027672, MeSH D009386, MONDO:0015356.
Breast-ovarian cancer, familial, susceptibility to, 1 (BROVCA1). Also called: OVARIAN CANCER, SUSCEPTIBILITY TO; BRCA1 Hereditary Breast and Ovarian Cancer. Identifiers: Orphanet 145, MedGen C2676676, MONDO:0011450, OMIM 604370. Disease mechanism: loss of function.
BRCA1-related disorder. Also called: BRCA1-related condition.

Allele frequency attached by ClinVar (database versions not stated): TOPMed 0.00002.
gnomAD v4.1: 25 of 1,613,976 alleles (0.0015%); highest among the groups gnomAD compares: Middle Eastern, 0.033%; no homozygotes.

Submissions (11):

Evidence-based Network for the Interpretation of Germline Mutant Alleles (ENIGMA)
Classification: Likely benign for Breast-ovarian cancer, familial, susceptibility to, 1. Last evaluated: 2017-06-29. Review status: reviewed by expert panel. Criteria: ENIGMA BRCA1/2 Classification Criteria (2017-06-29). Collection method: curation. Allele origin: germline.
Comment: Synonymous substitution variant, with low bioinformatic likelihood to result in a splicing aberration (Splicing prior probability 0.02).

Labcorp Genetics (formerly Invitae), Labcorp
Classification: Likely benign for Hereditary breast ovarian cancer syndrome. Last evaluated: 2025-12-15. Review status: criteria provided, single submitter. Criteria: Invitae Variant Classification Sherloc (09022015). Collection method: clinical testing. Allele origin: germline. Not counted in ClinVar's aggregate classification.

Quest Diagnostics Nichols Institute San Juan Capistrano
Classification: Likely benign. Last evaluated: 2025-10-06. Review status: criteria provided, single submitter. Criteria: Quest Diagnostics criteria. Collection method: clinical testing. Allele origin: unknown. Not counted in ClinVar's aggregate classification.

All of Us Research Program, National Institutes of Health
Classification: Likely benign for Breast-ovarian cancer, familial, susceptibility to, 1. Last evaluated: 2023-12-01. Review status: criteria provided, single submitter. Criteria: ACMG Guidelines, 2015. Collection method: clinical testing. Allele origin: germline. Inheritance: Autosomal dominant inheritance. Observed: 8 variant alleles, 8 heterozygotes. Not counted in ClinVar's aggregate classification.
Comment: This study involves interpretation of variants in research participants for the purpose of population health screening. Participant phenotype was not available at the time of variant classification. Additional details can be found in publication PMID: 35346344, PMCID: PMC8962531

Women's Health and Genetics/Laboratory Corporation of America, LabCorp
Classification: Likely benign. Last evaluated: 2020-03-18. Review status: criteria provided, single submitter. Criteria: LabCorp Variant Classification Summary - May 2015. Collection method: clinical testing. Allele origin: germline. Not counted in ClinVar's aggregate classification.

Mendelics
Classification: Likely benign for Breast-ovarian cancer, familial, susceptibility to, 1. Last evaluated: 2019-05-28. Review status: criteria provided, single submitter. Criteria: Mendelics Assertion Criteria 2017. Collection method: clinical testing. Allele origin: unknown. Not counted in ClinVar's aggregate classification.

ARUP Laboratories, Molecular Genetics and Genomics, ARUP Laboratories
Classification: Benign. Last evaluated: 2016-09-30. Review status: criteria provided, single submitter. Criteria: ARUP Molecular Germline Variant Investigation Process. Collection method: clinical testing. Allele origin: germline. Not counted in ClinVar's aggregate classification.

Color Diagnostics, LLC DBA Color Health
Classification: Likely benign for Hereditary cancer-predisposing syndrome. Last evaluated: 2016-02-24. Review status: criteria provided, single submitter. Criteria: ACMG Guidelines, 2015. Collection method: clinical testing. Allele origin: germline. Not counted in ClinVar's aggregate classification.

GeneDx
Classification: Benign. Last evaluated: 2015-04-06. Review status: criteria provided, single submitter. Criteria: GeneDx Variant Classification Process June 2021. Collection method: clinical testing. Allele origin: germline. Affected: yes. Not counted in ClinVar's aggregate classification.

Ambry Genetics
Classification: Likely benign for Hereditary cancer-predisposing syndrome. Last evaluated: 2014-07-14. Review status: criteria provided, single submitter. Criteria: Ambry Variant Classification Scheme 2023. Collection method: clinical testing. Allele origin: germline. Not counted in ClinVar's aggregate classification.

PreventionGenetics, part of Exact Sciences
Classification: Likely benign for BRCA1-related condition. Last evaluated: 2019-10-23. Review status: no assertion criteria provided. Collection method: clinical testing. Allele origin: germline. Not counted in ClinVar's aggregate classification.
Comment: This variant is classified as likely benign based on ACMG/AMP sequence variant interpretation guidelines (Richards et al. 2015 PMID: 25741868, with internal and published modifications).

Literature cited by the submitters: PubMed 16267036 (cited by Quest Diagnostics Nichols Institute San Juan Capistrano); PubMed 19818148 (cited by Quest Diagnostics Nichols Institute San Juan Capistrano and Ambry Genetics).